The following is an entry in ClinVar:

NM_033641.4(COL4A6):c.4516C>T (p.Gln1506Ter)

Gene: COL4A6 (collagen type IV alpha 6 chain; minus strand). Cytogenetic location: Xq22.3.
Variant type: single nucleotide variant.
Coding change: c.4516C>T on transcript NM_033641.4 (MANE Select); coding-DNA position 4516, C replaced by T.
Protein change: p.Gln1506Ter; replaces glutamine 1506 with a stop codon.
Molecular consequence: nonsense.
Genome position (GRCh38, 1-based): chrX:108,160,472, G>A on the plus strand (C>T on the coding strand, the complement: COL4A6 is on the minus strand). VCF-style: chrX-108160472-G-A. GRCh37 (hg19) VCF-style: chrX-107403702-G-A.
Other names: c.4567C>T, p.Gln1523Ter (NM_001287758.2); c.4444C>T, p.Gln1482Ter (NM_001287759.2); c.4345C>T, p.Gln1449Ter (NM_001287760.2); c.4519C>T, p.Gln1507Ter (NM_001847.4); short protein forms Q1449*, Q1482*, Q1523*, Q1506*, Q1507*.
Identifiers: ClinVar variation 2724432 (VCV002724432.3), dbSNP rs2521668734, ClinGen allele CA413850352.

ClinVar aggregate classification (germline): Uncertain significance (1 of 4 stars; one submission).

Submission:

Labcorp Genetics (formerly Invitae), Labcorp
Classification: Uncertain significance. Last evaluated: 2023-08-11. Review status: criteria provided, single submitter. Criteria: Invitae Variant Classification Sherloc (09022015). Collection method: clinical testing. Allele origin: germline.
Comment: In summary, the available evidence is currently insufficient to determine the role of this variant in disease. Therefore, it has been classified as a Variant of Uncertain Significance. This variant has not been reported in the literature in individuals affected with COL4A6-related conditions. This variant is not present in population databases (gnomAD no frequency). This sequence change creates a premature translational stop signal (p.Gln1507*) in the COL4A6 gene. It is expected to result in an absent or disrupted protein product. However, the current clinical and genetic evidence is not sufficient to establish whether loss-of-function variants in COL4A6 cause disease.